The following is an entry in ClinVar:

NM_001376.5(DYNC1H1):c.1061G>A (p.Arg354Lys)

Gene: DYNC1H1 (dynein cytoplasmic 1 heavy chain 1; plus strand). Cytogenetic location: 14q32.31.
Variant type: single nucleotide variant.
Coding change: c.1061G>A on transcript NM_001376.5 (MANE Select); coding-DNA position 1061, G replaced by A.
Protein change: p.Arg354Lys; replaces arginine 354 with lysine.
Molecular consequence: missense variant.
Genome position (GRCh38, 1-based): chr14:101,983,118, G>A. VCF-style: chr14-101983118-G-A. GRCh37 (hg19) VCF-style: chr14-102449455-G-A.
Other names: c.1061G>A (NM_001376.4); short protein forms R354K.
Identifiers: ClinVar variation 1514127 (VCV001514127.7), dbSNP rs1020301877, ClinGen allele CA266978421.

ClinVar aggregate classification (germline): Uncertain significance. Review status: criteria provided, multiple submitters, no conflicts (2 of 4 stars). 2 submissions from 2 submitters: Uncertain significance (2). Last evaluated 2026-04-11.

Conditions:
Inborn genetic diseases. Identifiers: MedGen C0950123, MeSH D030342.
Charcot-Marie-Tooth disease axonal type 2O. Also called: CHARCOT-MARIE-TOOTH NEUROPATHY, AXONAL, TYPE 2O; CHARCOT-MARIE-TOOTH DISEASE, AXONAL, AUTOSOMAL DOMINANT, TYPE 2O; Charcot-Marie-Tooth Neuropathy Type 2O; Charcot-Marie-Tooth disease, axonal, type 20. Identifiers: Orphanet 284232, MedGen C3280220, MONDO:0013644, OMIM 614228.

Allele frequency attached by ClinVar (database versions not stated): gnomAD 0.00001; TOPMed 0.00001; gnomAD exomes below 0.00001.
gnomAD v4.1: 9 of 1,614,040 alleles (0.00056%); highest among the groups gnomAD compares: African/African-American, 0.0013%; no homozygotes.

Submissions (2):

Ambry Genetics
Classification: Uncertain significance for Inborn genetic diseases. Last evaluated: 2026-04-11. Review status: criteria provided, single submitter. Criteria: Ambry Variant Classification Scheme 2023. Collection method: clinical testing. Allele origin: germline.

Labcorp Genetics (formerly Invitae), Labcorp
Classification: Uncertain significance for Charcot-Marie-Tooth disease axonal type 2O. Last evaluated: 2023-10-03. Review status: criteria provided, single submitter. Criteria: Invitae Variant Classification Sherloc (09022015). Collection method: clinical testing. Allele origin: germline.
Comment: This sequence change replaces arginine, which is basic and polar, with lysine, which is basic and polar, at codon 354 of the DYNC1H1 protein (p.Arg354Lys). This variant is not present in population databases (gnomAD no frequency). This variant has not been reported in the literature in individuals affected with DYNC1H1-related conditions. ClinVar contains an entry for this variant (Variation ID: 1514127). Advanced modeling of protein sequence and biophysical properties (such as structural, functional, and spatial information, amino acid conservation, physicochemical variation, residue mobility, and thermodynamic stability) performed at Invitae indicates that this missense variant is not expected to disrupt DYNC1H1 protein function. In summary, the available evidence is currently insufficient to determine the role of this variant in disease. Therefore, it has been classified as a Variant of Uncertain Significance.